The following is an entry in ClinVar:

ClinVar aggregate classification (germline): Uncertain significance (1 of 4 stars; one submission).

Submission:

Ambry Genetics
Classification: Uncertain significance. Last evaluated: 2023-11-14. Review status: criteria provided, single submitter. Criteria: Ambry Variant Classification Scheme 2023. Collection method: clinical testing. Allele origin: germline.
Comment: The p.L347Q variant (also known as c.1040T>A), located in coding exon 9 of the RAD54L gene, results from a T to A substitution at nucleotide position 1040. The leucine at codon 347 is replaced by glutamine, an amino acid with dissimilar properties. This amino acid position is conserved. In addition, this alteration is predicted to be deleterious by in silico analysis. Since supporting evidence is limited at this time, the clinical significance of this alteration remains unclear.

NM_003579.4(RAD54L):c.1040T>A (p.Leu347Gln)

Gene: RAD54L (RAD54 like; plus strand). Cytogenetic location: 1p34.1.
Variant type: single nucleotide variant.
Coding change: c.1040T>A on transcript NM_003579.4 (MANE Select); coding-DNA position 1040, T replaced by A.
Protein change: p.Leu347Gln; replaces leucine 347 with glutamine.
Molecular consequence: missense variant.
Genome position (GRCh38, 1-based): chr1:46,267,607, T>A. VCF-style: chr1-46267607-T-A. GRCh37 (hg19) VCF-style: chr1-46733279-T-A.
Other names: c.1040T>A, p.Leu347Gln (NM_001142548.2); c.500T>A, p.Leu167Gln (NM_001370766.1); short protein forms L167Q, L347Q.
Identifiers: ClinVar variation 3223391 (VCV003223391.1), dbSNP rs2525690964, ClinGen allele CA340192810.